The following is an entry in ClinVar:

NM_031935.3(HMCN1):c.7079G>A (p.Arg2360His)

Gene: HMCN1 (hemicentin 1; plus strand). Cytogenetic location: 1q31.1.
Variant type: single nucleotide variant.
Coding change: c.7079G>A on transcript NM_031935.3 (MANE Select); coding-DNA position 7079, G replaced by A.
Protein change: p.Arg2360His; replaces arginine 2360 with histidine.
Molecular consequence: missense variant.
Genome position (GRCh38, 1-based): chr1:186,055,609, G>A. VCF-style: chr1-186055609-G-A. GRCh37 (hg19) VCF-style: chr1-186024741-G-A.
Other names: short protein forms R2360H.
Identifiers: ClinVar variation 294181 (VCV000294181.10), dbSNP rs559595305, ClinGen allele CA1292732.

ClinVar aggregate classification (germline): Likely benign. Review status: criteria provided, multiple submitters, no conflicts (2 of 4 stars). 3 submissions from 3 submitters: Likely benign (3). Last evaluated 2025-10-07.

Conditions:
Age related macular degeneration 1 (ARMD1). Also called: MACULOPATHY, AGE-RELATED, 1. Identifiers: MedGen C1864205, MONDO:0011285, OMIM 603075.

Allele frequency attached by ClinVar (database versions not stated): gnomAD 0.00003 and 0.00006; gnomAD exomes 0.00009 and 0.00020; TOPMed 0.00009; ExAC 0.00014; 1000 Genomes Project 30x 0.00031; 1000 Genomes Project 0.00040.
gnomAD v4.1: 137 of 1,612,618 alleles (0.0085%); highest among the groups gnomAD compares: East Asian, 0.22%; 1 homozygote.

Submissions (3):

Labcorp Genetics (formerly Invitae), Labcorp
Classification: Likely benign. Last evaluated: 2025-10-07. Review status: criteria provided, single submitter. Criteria: Invitae Variant Classification Sherloc (09022015). Collection method: clinical testing. Allele origin: germline.

Genome-Nilou Lab
Classification: Likely benign for Age related macular degeneration 1. Last evaluated: 2023-04-11. Review status: criteria provided, single submitter. Criteria: ACMG Guidelines, 2015. Collection method: clinical testing. Allele origin: germline. Affected: no.

Illumina Laboratory Services, Illumina
Classification: Likely benign for Age related macular degeneration 1. Last evaluated: 2018-01-12. Review status: criteria provided, single submitter. Criteria: ICSL Variant Classification Criteria 13 December 2019. Collection method: clinical testing. Allele origin: germline.
Comment: This variant was observed in the ICSL laboratory as part of a predisposition screen in an ostensibly healthy population. It had not been previously curated by ICSL or reported in the Human Gene Mutation Database (HGMD: prior to June 1st, 2018), and was therefore a candidate for classification through an automated scoring system. Utilizing variant allele frequency, disease prevalence and penetrance estimates, and inheritance mode, an automated score was calculated to assess if this variant is too frequent to cause the disease. Based on the score and internal cut-off values, a variant classified as likely benign is not then subjected to further curation. The score for this variant resulted in a classification of likely benign for this disease.